The following is an entry in ClinVar:

NM_001077350.3(NPRL3):c.925-1G>C

Genes: HBA-LCR (alpha-globin locus control region; plus strand), NPRL3 (NPR3 like, GATOR1 complex subunit; minus strand). Cytogenetic location: 16p13.3.
Variant type: single nucleotide variant.
Coding change: c.925-1G>C on transcript NM_001077350.3 (MANE Select); the canonical splice acceptor site of the intron before coding-DNA position 925, G replaced by C.
Molecular consequence: splice acceptor variant.
Genome position (GRCh38, 1-based): chr16:93,326, C>G on the plus strand (G>C on the coding strand, the complement: NPRL3 is on the minus strand). VCF-style: chr16-93326-C-G. GRCh37 (hg19) VCF-style: chr16-143324-C-G.
Other names: c.691-1G>C (NM_001243247.2); c.850-1G>C (NM_001243248.2, NM_001243249.2); c.388-1G>C (NM_001039476.3).
Identifiers: ClinVar variation 855061 (VCV000855061.8), dbSNP rs1898844907, ClinGen allele CA394053859.

ClinVar aggregate classification (germline): Likely pathogenic (1 of 4 stars; one submission).

Conditions:
Epilepsy, familial focal, with variable foci 3 (FFEVF3). Identifiers: MedGen C4310708, MONDO:0014925, OMIM 617118.

Submission:

Labcorp Genetics (formerly Invitae), Labcorp
Classification: Likely pathogenic for Epilepsy, familial focal, with variable foci 3. Last evaluated: 2022-06-14. Review status: criteria provided, single submitter. Criteria: Invitae Variant Classification Sherloc (09022015). Collection method: clinical testing. Allele origin: germline.
Comment: This sequence change affects an acceptor splice site in intron 9 of the NPRL3 gene. It is expected to disrupt RNA splicing. Variants that disrupt the donor or acceptor splice site typically lead to a loss of protein function (PMID: 16199547), and loss-of-function variants in NPRL3 are known to be pathogenic (PMID: 26285051, 26505888). This variant is not present in population databases (gnomAD no frequency). This variant has not been reported in the literature in individuals affected with NPRL3-related conditions. ClinVar contains an entry for this variant (Variation ID: 855061). Algorithms developed to predict the effect of sequence changes on RNA splicing suggest that this variant may disrupt the consensus splice site. In summary, the currently available evidence indicates that the variant is pathogenic, but additional data are needed to prove that conclusively. Therefore, this variant has been classified as Likely Pathogenic.

Literature cited by the submitters: PubMed 16199547; PubMed 26285051; PubMed 26505888.